The following is an entry in ClinVar:

NM_080425.4(GNAS):c.1135G>C (p.Gly379Arg)

Gene: GNAS (GNAS complex locus; plus strand). Cytogenetic location: 20q13.32.
Variant type: single nucleotide variant.
Coding change: c.1135G>C on transcript NM_080425.4 (MANE Plus Clinical); coding-DNA position 1135, G replaced by C.
Protein change: p.Gly379Arg; replaces glycine 379 with arginine.
Molecular consequence: missense variant. On other transcripts: synonymous variant (2), intron variant (3).
Genome position (GRCh38, 1-based): chr20:58,854,400, G>C. VCF-style: chr20-58854400-G-C. GRCh37 (hg19) VCF-style: chr20-57429455-G-C.
Other names: c.948G>C, p.Thr316= (NM_001309883.1, NM_001077490.3); c.1135G>C, p.Gly379Arg (NM_001410913.1); c.*42+13514G>C (NM_016592.5); c.43+13514G>C (NM_001410912.1); c.-39+12525G>C (NM_001309861.2); short protein forms G379R.
Identifiers: ClinVar variation 134494 (VCV000134494.5), dbSNP rs587778389, ClinGen allele CA159967.

ClinVar aggregate classification (germline): Likely benign. Review status: no assertion criteria provided (0 of 4 stars). 2 submissions from 2 submitters: Likely benign (1). 1 of the submissions does not count toward it. Last evaluated 2024-02-01.

Conditions:
GNAS-related disorder. Identifiers: MedGen CN380105.

Allele frequency attached by ClinVar (database versions not stated): gnomAD exomes 0.00008; TOPMed 0.00011; gnomAD 0.00012 and 0.00013.
gnomAD v4.1: 359 of 1,566,086 alleles (0.023%); highest among the groups gnomAD compares: Non-Finnish European, 0.028%; no homozygotes.

Submissions (2):

PreventionGenetics, part of Exact Sciences
Classification: Likely benign for GNAS-related condition. Last evaluated: 2024-02-01. Review status: no assertion criteria provided. Collection method: clinical testing. Allele origin: germline.
Comment: This variant is classified as likely benign based on ACMG/AMP sequence variant interpretation guidelines (Richards et al. 2015 PMID: 25741868, with internal and published modifications).

ITMI
No classification provided. Condition: AllHighlyPenetrant. Last evaluated: 2013-09-19. Review status: no classification provided. Collection method: reference population. Allele origin: germline. Not counted in ClinVar's aggregate classification.
Comment: Please see associated publication for description of ethnicities

Literature cited by the submitters: PubMed 24728327 (cited by ITMI).